The following is an entry in ClinVar:

NM_002485.5(NBN):c.540C>A (p.Phe180Leu)

Gene: NBN (nibrin; minus strand). Cytogenetic location: 8q21.3.
Variant type: single nucleotide variant.
Coding change: c.540C>A on transcript NM_002485.5 (MANE Select); coding-DNA position 540, C replaced by A.
Protein change: p.Phe180Leu; replaces phenylalanine 180 with leucine.
Molecular consequence: missense variant.
Genome position (GRCh38, 1-based): chr8:89,978,264, G>T on the plus strand (C>A on the coding strand, the complement: NBN is on the minus strand). VCF-style: chr8-89978264-G-T. GRCh37 (hg19) VCF-style: chr8-90990492-G-T.
Other names: c.294C>A, p.Phe98Leu (NM_001024688.3); short protein forms F98L, F180L.
Identifiers: ClinVar variation 1747349 (VCV001747349.2), dbSNP rs1060504928, ClinGen allele CA371660255.

ClinVar aggregate classification (germline): Uncertain significance (1 of 4 stars; one submission).

Conditions:
Hereditary cancer-predisposing syndrome. Also called: Hereditary Cancer Syndrome; Neoplastic Syndromes, Hereditary; Tumor predisposition; Hereditary neoplastic syndrome. Identifiers: Orphanet 140162, MedGen C0027672, MeSH D009386, MONDO:0015356.

Submission:

Ambry Genetics
Classification: Uncertain significance for Hereditary cancer-predisposing syndrome. Last evaluated: 2022-08-08. Review status: criteria provided, single submitter. Criteria: Ambry Variant Classification Scheme 2023. Collection method: clinical testing. Allele origin: germline.
Comment: The p.F180L variant (also known as c.540C>A), located in coding exon 5 of the NBN gene, results from a C to A substitution at nucleotide position 540. The phenylalanine at codon 180 is replaced by leucine, an amino acid with highly similar properties. This amino acid position is well conserved in available vertebrate species. In addition, this alteration is predicted to be tolerated by in silico analysis. Since supporting evidence is limited at this time, the clinical significance of this alteration remains unclear.